The following is an entry in ClinVar:

ClinVar aggregate classification (germline): Likely benign. Review status: criteria provided, multiple submitters, no conflicts (2 of 4 stars). 2 submissions from 2 submitters: Likely benign (2). Last evaluated 2019-06-22.

Allele frequency attached by ClinVar (database versions not stated): gnomAD exomes 0.00001.
gnomAD v4.1: 3 of 1,613,884 alleles (0.00019%); highest among the groups gnomAD compares: Non-Finnish European, 0.00025%; no homozygotes.

Submissions (2):

Labcorp Genetics (formerly Invitae), Labcorp
Classification: Likely benign. Last evaluated: 2019-06-22. Review status: criteria provided, single submitter. Criteria: Invitae Variant Classification Sherloc (09022015). Collection method: clinical testing. Allele origin: germline.

GeneDx
Classification: Likely benign. Last evaluated: 2018-05-22. Review status: criteria provided, single submitter. Criteria: GeneDx Variant Classification (06012015). Collection method: clinical testing. Allele origin: germline. Affected: yes.
Comment: This variant is considered likely benign or benign based on one or more of the following criteria: it is a conservative change, it occurs at a poorly conserved position in the protein, it is predicted to be benign by multiple in silico algorithms, and/or has population frequency not consistent with disease.

NM_003742.4(ABCB11):c.3570A>G (p.Ala1190=)

Gene: ABCB11 (ATP binding cassette subfamily B member 11; minus strand). Cytogenetic location: 2q31.1.
Variant type: single nucleotide variant.
Coding change: c.3570A>G on transcript NM_003742.4 (MANE Select); coding-DNA position 3570, A replaced by G.
Protein change: p.Ala1190=; no amino-acid change (alanine 1190 retained).
Molecular consequence: synonymous variant.
Genome position (GRCh38, 1-based): chr2:168,927,204, T>C on the plus strand (A>G on the coding strand, the complement: ABCB11 is on the minus strand). VCF-style: chr2-168927204-T-C. GRCh37 (hg19) VCF-style: chr2-169783714-T-C.
Identifiers: ClinVar variation 667527 (VCV000667527.9), dbSNP rs1574394033, ClinGen allele CA429912796.
Genomic context (GRCh38, chr2:168,927,204, plus strand): 5'-CTTCGTACTCACCTCTGGGAGTGACATGACAAAATCATGCAGCTGAGCCTGTTTTGCAGC[T>C]GCTATGACTCTTTCCATGGGAATTTCTTTGGTGTTGTCTCCATACTTGATATTGTCCATT-3'
Protein context (NP_003733.2, residues 1180-1200): TKEIPMERVI[Ala1190=]AAKQAQLHDF